The following is an entry in ClinVar:

NM_006922.4(SCN3A):c.3706A>G (p.Ile1236Val)

Gene: SCN3A (sodium voltage-gated channel alpha subunit 3; minus strand). Cytogenetic location: 2q24.3.
Variant type: single nucleotide variant.
Coding change: c.3706A>G on transcript NM_006922.4 (MANE Select); coding-DNA position 3706, A replaced by G.
Protein change: p.Ile1236Val; replaces isoleucine 1236 with valine.
Molecular consequence: missense variant.
Genome position (GRCh38, 1-based): chr2:165,113,022, T>C on the plus strand (A>G on the coding strand, the complement: SCN3A is on the minus strand). VCF-style: chr2-165113022-T-C. GRCh37 (hg19) VCF-style: chr2-165969532-T-C.
Other names: c.3559A>G, p.Ile1187Val (NM_001081676.2, NM_001081677.2); short protein forms I1187V, I1236V.
Identifiers: ClinVar variation 2620568 (VCV002620568.4), dbSNP rs764846653, ClinGen allele CA1938728.

ClinVar aggregate classification (germline): Uncertain significance. Review status: criteria provided, multiple submitters, no conflicts (2 of 4 stars). 2 submissions from 2 submitters: Uncertain significance (2). Last evaluated 2024-11-18.

Conditions:
Inborn genetic diseases. Identifiers: MedGen C0950123, MeSH D030342.

Allele frequency attached by ClinVar (database versions not stated): gnomAD exomes below 0.00001; ExAC 0.00001.
gnomAD v4.1: 2 of 1,612,856 alleles (0.00012%); highest among the groups gnomAD compares: Non-Finnish European, 0.00017%; no homozygotes.

Submissions (2):

GeneDx
Classification: Uncertain significance. Last evaluated: 2024-11-18. Review status: criteria provided, single submitter. Criteria: GeneDx Variant Classification Process June 2021. Collection method: clinical testing. Allele origin: germline. Affected: yes.
Comment: In silico analysis indicates that this missense variant does not alter protein structure/function; Has not been previously published as pathogenic or benign to our knowledge

Ambry Genetics
Classification: Uncertain significance for Inborn genetic diseases. Last evaluated: 2023-08-21. Review status: criteria provided, single submitter. Criteria: Ambry Variant Classification Scheme 2023. Collection method: clinical testing. Allele origin: germline.